The following is an entry in ClinVar:

ClinVar aggregate classification (germline): Uncertain significance (1 of 4 stars; one submission).

Submission:

Women's Health and Genetics/Laboratory Corporation of America, LabCorp
Classification: Uncertain significance. Last evaluated: 2024-12-19. Review status: criteria provided, single submitter. Criteria: LabCorp Variant Classification Summary - May 2015. Collection method: clinical testing. Allele origin: germline.
Comment: Variant summary: The variant involves the deletion of exons 40-42 in the CENPE gene. A presumed nomenclature of c.(6303+1_6304-1)_(6924+1_6925-1)del has been designated for the purposes of this classification. This Copy Number Variant (CNV) is predicted to result in an in-frame deletion within this gene. Current evidence is not sufficient to establish loss of function as a mechanism for disease. The variant was absent in 21674 control chromosomes (gnomAD V4). The available data on variant occurrences in the general population are insufficient to allow any conclusion about variant significance. To our knowledge, no occurrence of c.(6303+1_6304-1)_(6924+1_6925-1)del in individuals affected with Microcephaly 13, Primary, Autosomal Recessive and no experimental evidence demonstrating its impact on protein function have been reported. No submitters have cited clinical-significance assessments for this variant to ClinVar. Based on the evidence outlined above, the variant was classified as uncertain significance.

NC_000004.11:g.(104044247_104053849)_(104057517_104059507)del

Gene: CENPE (centromere protein E; minus strand). Cytogenetic location: 4q24.
Variant type: Deletion.
Identifiers: ClinVar variation 3768508 (VCV003768508.1).